The following is an entry in ClinVar:

ClinVar aggregate classification (germline): Uncertain significance (1 of 4 stars; one submission).

gnomAD v4.1: 1 of 1,468,380 alleles (0.000068%); highest among the groups gnomAD compares: South Asian, 0.0012%; no homozygotes.

Submission:

Labcorp Genetics (formerly Invitae), Labcorp
Classification: Uncertain significance. Last evaluated: 2024-09-11. Review status: criteria provided, single submitter. Criteria: Invitae Variant Classification Sherloc (09022015). Collection method: clinical testing. Allele origin: germline.
Comment: This sequence change replaces proline, which is neutral and non-polar, with serine, which is neutral and polar, at codon 472 of the NAF1 protein (p.Pro472Ser). This variant is not present in population databases (gnomAD no frequency). This variant has not been reported in the literature in individuals affected with NAF1-related conditions. An algorithm developed to predict the effect of missense changes on protein structure and function (PolyPhen-2) suggests that this variant is likely to be disruptive. In summary, the available evidence is currently insufficient to determine the role of this variant in disease. Therefore, it has been classified as a Variant of Uncertain Significance.

NM_138386.3(NAF1):c.1414C>T (p.Pro472Ser)

Gene: NAF1 (nuclear assembly factor 1 ribonucleoprotein; minus strand). Cytogenetic location: 4q32.2.
Variant type: single nucleotide variant.
Coding change: c.1414C>T on transcript NM_138386.3 (MANE Select); coding-DNA position 1414, C replaced by T.
Protein change: p.Pro472Ser; replaces proline 472 with serine.
Molecular consequence: missense variant. On other transcripts: intron variant (1).
Genome position (GRCh38, 1-based): chr4:163,128,968, G>A on the plus strand (C>T on the coding strand, the complement: NAF1 is on the minus strand). VCF-style: chr4-163128968-G-A. GRCh37 (hg19) VCF-style: chr4-164050120-G-A.
Other names: c.1034-1853C>T (NM_001128931.2); short protein forms P472S.
Identifiers: ClinVar variation 3682976 (VCV003682976.2).
Genomic context (GRCh38, chr4:163,128,968, plus strand): 5'-GTCCAAAATGAGAATTACTATCTCCAGAAGAGGGTGGAGGAGGCAGTGGTGGAGGGGGAG[G>A]GGGTGGGGGTAGGGAGTATGGTAAGTTAAGTAATGGATGAGCAGCCATGTTTGGTGTAGC-3'
Protein context (NP_612395.2, residues 462-482): LNLPYSLPPP[Pro472Ser]PPPPLPPPPS